The following is an entry in ClinVar:

ClinVar aggregate classification (germline): Benign. Review status: criteria provided, single submitter (1 of 4 stars). 2 submissions from 2 submitters: Benign (1). 1 of the submissions does not count toward it. Last evaluated 2017-08-03.

Conditions:
PDXDC1-related disorder. Also called: PDXDC1-related condition.

Allele frequency attached by ClinVar (database versions not stated): gnomAD exomes 0.00033 and 0.00101; ExAC 0.00128; 1000 Genomes Project 30x 0.00390; gnomAD 0.00392 and 0.00411; 1000 Genomes Project 0.00399; TOPMed 0.00468; ESP Exome Variant Server 0.00485.
gnomAD v4.1: 1,108 of 1,605,216 alleles (0.069%); highest among the groups gnomAD compares: African/African-American, 1.3%; 10 homozygotes.

Submissions (2):

Labcorp Genetics (formerly Invitae), Labcorp
Classification: Benign. Last evaluated: 2017-08-03. Review status: criteria provided, single submitter. Criteria: Invitae Variant Classification Sherloc (09022015). Collection method: clinical testing. Allele origin: germline.

PreventionGenetics, part of Exact Sciences
Classification: Benign for PDXDC1-related condition. Last evaluated: 2019-05-20. Review status: no assertion criteria provided. Collection method: clinical testing. Allele origin: germline. Not counted in ClinVar's aggregate classification.
Comment: This variant is classified as benign based on ACMG/AMP sequence variant interpretation guidelines (Richards et al. 2015 PMID: 25741868, with internal and published modifications).

NM_015027.4(PDXDC1):c.1598G>A (p.Ser533Asn)

Gene: PDXDC1 (pyridoxal dependent decarboxylase domain containing 1). Cytogenetic location: 16p13.11.
Variant type: single nucleotide variant.
Coding change: c.1598G>A on transcript NM_015027.4 (MANE Select); coding-DNA position 1598, G replaced by A.
Protein change: p.Ser533Asn; replaces serine 533 with asparagine.
Molecular consequence: missense variant. On other transcripts: intron variant (3).
Genome position (GRCh38, 1-based): chr16:15,032,887, G>A. VCF-style: chr16-15032887-G-A. GRCh37 (hg19) VCF-style: chr16-15126744-G-A.
Other names: c.1517G>A, p.Ser506Asn (NM_001285444.2); c.1514G>A, p.Ser505Asn (NM_001285445.2); c.1553G>A, p.Ser518Asn (NM_001285447.1); c.1325G>A, p.Ser442Asn (NM_001285448.1); c.1595G>A, p.Ser532Asn (NM_001324019.2); c.1399+2831G>A (NM_001285449.2); c.1318+2831G>A (NM_001324021.2); c.1396+2831G>A (NM_001324020.2); short protein forms S442N, S505N, S532N, S533N, S506N, S518N.
Identifiers: ClinVar variation 790701 (VCV000790701.5), dbSNP rs140715398, ClinGen allele CA7915410.